The following is an entry in ClinVar:

ClinVar aggregate classification (germline): Uncertain significance. Review status: criteria provided, multiple submitters, no conflicts (2 of 4 stars). 2 submissions from 2 submitters: Uncertain significance (2). Last evaluated 2025-09-30.

Conditions:
Hereditary cancer-predisposing syndrome. Also called: Neoplastic Syndromes, Hereditary; Hereditary Cancer Syndrome; Hereditary neoplastic syndrome; Tumor predisposition. Identifiers: Orphanet 140162, MedGen C0027672, MeSH D009386, MONDO:0015356.

Submissions (2):

Ambry Genetics
Classification: Uncertain significance for Hereditary cancer-predisposing syndrome. Last evaluated: 2025-09-30. Review status: criteria provided, single submitter. Criteria: Ambry Variant Classification Scheme 2023. Collection method: clinical testing. Allele origin: germline.
Comment: The p.A1629V variant (also known as c.4886C>T), located in coding exon 37 of the POLE gene, results from a C to T substitution at nucleotide position 4886. The alanine at codon 1629 is replaced by valine, an amino acid with similar properties. This amino acid position is highly conserved in available vertebrate species. In addition, the in silico prediction for this alteration is inconclusive. Based on the available evidence, the clinical significance of this variant remains unclear.

Labcorp Genetics (formerly Invitae), Labcorp
Classification: Uncertain significance. Last evaluated: 2021-11-12. Review status: criteria provided, single submitter. Criteria: Invitae Variant Classification Sherloc (09022015). Collection method: clinical testing. Allele origin: germline.
Comment: In summary, the available evidence is currently insufficient to determine the role of this variant in disease. Therefore, it has been classified as a Variant of Uncertain Significance. Algorithms developed to predict the effect of missense changes on protein structure and function (SIFT, PolyPhen-2, Align-GVGD) all suggest that this variant is likely to be tolerated. ClinVar contains an entry for this variant (Variation ID: 540660). This variant has not been reported in the literature in individuals affected with POLE-related conditions. This variant is not present in population databases (gnomAD no frequency). This sequence change replaces alanine, which is neutral and non-polar, with valine, which is neutral and non-polar, at codon 1629 of the POLE protein (p.Ala1629Val).

NM_006231.4(POLE):c.4886C>T (p.Ala1629Val)

Gene: POLE (DNA polymerase epsilon, catalytic subunit; minus strand). Cytogenetic location: 12q24.33.
Variant type: single nucleotide variant.
Coding change: c.4886C>T on transcript NM_006231.4 (MANE Select); coding-DNA position 4886, C replaced by T.
Protein change: p.Ala1629Val; replaces alanine 1629 with valine.
Molecular consequence: missense variant.
Genome position (GRCh38, 1-based): chr12:132,642,572, G>A on the plus strand (C>T on the coding strand, the complement: POLE is on the minus strand). VCF-style: chr12-132642572-G-A. GRCh37 (hg19) VCF-style: chr12-133219158-G-A.
Other names: c.4886C>T (NM_006231.2); short protein forms A1629V.
Identifiers: ClinVar variation 540660 (VCV000540660.7), dbSNP rs1555222573, ClinGen allele CA387378015.
Genomic context (GRCh38, chr12:132,642,572, plus strand): 5'-ATCTCGAAGGCCTGCGACAGGCAGGTGTCCAGGTTGAGGTAGTGACGGATCATGCGCCGG[G>A]CTCCATGGCGCTGCCAGTCCAGGACCCCATAGTTGATCTTGTCAGCCACACAGATAGGCA-3'
Protein context (NP_006222.2, residues 1619-1639): YGVLDWQRHG[Ala1629Val]RRMIRHYLNL